The following is an entry in ClinVar:

ClinVar aggregate classification (germline): Uncertain significance (1 of 4 stars; one submission).

Conditions:
Hereditary cancer-predisposing syndrome. Also called: Neoplastic Syndromes, Hereditary; Tumor predisposition; Hereditary Cancer Syndrome; Hereditary neoplastic syndrome. Identifiers: Orphanet 140162, MedGen C0027672, MeSH D009386, MONDO:0015356.

Submission:

Ambry Genetics
Classification: Uncertain significance for Hereditary cancer-predisposing syndrome. Last evaluated: 2024-07-26. Review status: criteria provided, single submitter. Criteria: Ambry Variant Classification Scheme 2023. Collection method: clinical testing. Allele origin: germline.
Comment: The p.M1063K variant (also known as c.3188T>A), located in coding exon 19 of the PTCH1 gene, results from a T to A substitution at nucleotide position 3188. The methionine at codon 1063 is replaced by lysine, an amino acid with similar properties. This amino acid position is conserved. In addition, this alteration is predicted to be deleterious by in silico analysis. Based on the available evidence, the clinical significance of this variant remains unclear.

NM_000264.5(PTCH1):c.3188T>A (p.Met1063Lys)

Gene: PTCH1 (patched 1; minus strand). Cytogenetic location: 9q22.32.
Variant type: single nucleotide variant.
Coding change: c.3188T>A on transcript NM_000264.5 (MANE Select); coding-DNA position 3188, T replaced by A.
Protein change: p.Met1063Lys; replaces methionine 1063 with lysine.
Molecular consequence: missense variant. On other transcripts: non-coding transcript variant (1).
Genome position (GRCh38, 1-based): chr9:95,456,394, A>T on the plus strand (T>A on the coding strand, the complement: PTCH1 is on the minus strand). VCF-style: chr9-95456394-A-T. GRCh37 (hg19) VCF-style: chr9-98218676-A-T.
Other names: c.2990T>A, p.Met997Lys (NM_001083602.3); c.3185T>A, p.Met1062Lys (NM_001083603.3); c.2735T>A, p.Met912Lys (NM_001083604.3, NM_001083605.3, NM_001083606.3 and 1 more transcripts); c.3032T>A, p.Met1011Lys (NM_001354918.2); short protein forms M912K, M1011K, M1063K, M1062K, M997K.
Identifiers: ClinVar variation 3427248 (VCV003427248.1).
Genomic context (GRCh38, chr9:95,456,394, plus strand): 5'-ACGGGCACGGCACTGAGCTTGATTCCGATGAGGCCCATCATGCCGAACAGCTCGACCGTC[A>T]TCAGCGCCAGGACCATCACCTGGAGCAGGGCACACAGTGGTCAGTGGGCGGGCAGGTCAC-3'
Protein context (NP_000255.2, residues 1053-1073): AGIIVMVLAL[Met1063Lys]TVELFGMMGL